The following is an entry in ClinVar:

ClinVar aggregate classification (germline): Uncertain significance (1 of 4 stars; one submission).

Submission:

Ambry Genetics
Classification: Uncertain significance. Last evaluated: 2025-10-03. Review status: criteria provided, single submitter. Criteria: Ambry Variant Classification Scheme 2023. Collection method: clinical testing. Allele origin: germline.
Comment: The p.S374G variant (also known as c.1120A>G), located in coding exon 6 of the PALLD gene, results from an A to G substitution at nucleotide position 1120. The serine at codon 374 is replaced by glycine, an amino acid with similar properties. This amino acid position is conserved. In addition, the in silico prediction for this alteration is inconclusive. Based on the available evidence, the clinical significance of this variant remains unclear.

NM_001166108.2(PALLD):c.2632A>G (p.Ser878Gly)

Genes: CBR4 (carbonyl reductase 4; minus strand), PALLD (palladin, cytoskeletal associated protein; plus strand). Cytogenetic location: 4q32.3.
Variant type: single nucleotide variant.
Coding change: c.2632A>G on transcript NM_001166108.2 (MANE Select); coding-DNA position 2632, A replaced by G.
Protein change: p.Ser878Gly; replaces serine 878 with glycine.
Molecular consequence: missense variant.
Genome position (GRCh38, 1-based): chr4:168,913,936, A>G. VCF-style: chr4-168913936-A-G. GRCh37 (hg19) VCF-style: chr4-169835087-A-G.
Other names: c.1435A>G, p.Ser479Gly (NM_001166109.2); c.1120A>G, p.Ser374Gly (NM_001166110.2); c.460A>G, p.Ser154Gly (NM_001367567.1, NM_001367569.1); c.511A>G, p.Ser171Gly (NM_001367568.1, NM_001367570.1); c.2581A>G, p.Ser861Gly (NM_016081.4); short protein forms S374G, S154G, S861G, S171G, S479G, S878G.
Identifiers: ClinVar variation 4564154 (VCV004564154.1).